The following is an entry in ClinVar:

NM_006387.6(CHERP):c.780C>T (p.Ile260=)

Gene: CHERP (calcium homeostasis endoplasmic reticulum protein; minus strand). Cytogenetic location: 19p13.11.
Variant type: single nucleotide variant.
Coding change: c.780C>T on transcript NM_006387.6 (MANE Select); coding-DNA position 780, C replaced by T.
Protein change: p.Ile260=; no amino-acid change (isoleucine 260 retained).
Molecular consequence: synonymous variant.
Genome position (GRCh38, 1-based): chr19:16,530,775, G>A on the plus strand (C>T on the coding strand, the complement: CHERP is on the minus strand). VCF-style: chr19-16530775-G-A. GRCh37 (hg19) VCF-style: chr19-16641586-G-A.
Identifiers: ClinVar variation 2649513 (VCV002649513.24), dbSNP rs369884233, ClinGen allele CA9279739.
Genomic context (GRCh38, chr19:16,530,775, plus strand): 5'-GGAAAGGCCTGTGTGTCCCGGTCTTGCCCAACCCCCGGCCCGGGGCCCACGCACCCGGGC[G>A]ATCTTCTGCTGCTTGTCTTCCTCCACGGCCAAGAAGCTGGTGCAGTAGATGGGCACCACG-3'
Protein context (NP_006378.3, residues 250-270): LAVEEDKQQK[Ile260=]ARLLQLWEKN

ClinVar aggregate classification (germline): Likely benign (1 of 4 stars; one submission).

Allele frequency attached by ClinVar (database versions not stated): ExAC 0.00003; ESP Exome Variant Server 0.00008.
gnomAD v4.1: 11 of 1,613,850 alleles (0.00068%); highest among the groups gnomAD compares: South Asian, 0.0033%; no homozygotes.

Submission:

CeGaT Center for Human Genetics Tuebingen
Classification: Likely benign. Last evaluated: 2022-05-01. Review status: criteria provided, single submitter. Criteria: CeGaT Center For Human Genetics Tuebingen Variant Classification Criteria Version 2. Collection method: clinical testing. Allele origin: germline. Affected: yes. Observed: 1 variant allele.
Comment: CHERP: BP4, BP7